The following is an entry in ClinVar:

NM_001194998.2(CEP152):c.4859C>T (p.Thr1620Ile)

Gene: CEP152 (centrosomal protein 152; minus strand). Cytogenetic location: 15q21.1.
Variant type: single nucleotide variant.
Coding change: c.4859C>T on transcript NM_001194998.2 (MANE Select); coding-DNA position 4859, C replaced by T.
Protein change: p.Thr1620Ile; replaces threonine 1620 with isoleucine.
Molecular consequence: missense variant.
Genome position (GRCh38, 1-based): chr15:48,738,523, G>A on the plus strand (C>T on the coding strand, the complement: CEP152 is on the minus strand). VCF-style: chr15-48738523-G-A. GRCh37 (hg19) VCF-style: chr15-49030720-G-A.
Other names: c.4691C>T, p.Thr1564Ile (NM_014985.4); short protein forms T1564I, T1620I.
Identifiers: ClinVar variation 1449032 (VCV001449032.6), dbSNP rs2140540494, ClinGen allele CA392333291.
Genomic context (GRCh38, chr15:48,738,523, plus strand): 5'-AGGTATGGAGTTTGATAACGCTGACATTTCATTGTTTGACAAATCATATTACTTTCCTCT[G>A]TATCTGAAAGATAACCGGATGGTGAAAACTGTTTGGATTTAACAGATTCACTTGGTATTT-3'
Protein context (NP_001181927.1, residues 1610-1630): QFSPSGYLSD[Thr1620Ile]EESNMICQTM

ClinVar aggregate classification (germline): Uncertain significance (1 of 4 stars; one submission).

Submission:

Labcorp Genetics (formerly Invitae), Labcorp
Classification: Uncertain significance. Last evaluated: 2022-02-23. Review status: criteria provided, single submitter. Criteria: Invitae Variant Classification Sherloc (09022015). Collection method: clinical testing. Allele origin: germline.
Comment: Algorithms developed to predict the effect of missense changes on protein structure and function (SIFT, PolyPhen-2, Align-GVGD) all suggest that this variant is likely to be tolerated. In summary, the available evidence is currently insufficient to determine the role of this variant in disease. Therefore, it has been classified as a Variant of Uncertain Significance. This variant has not been reported in the literature in individuals affected with CEP152-related conditions. This variant is not present in population databases (gnomAD no frequency). This sequence change replaces threonine, which is neutral and polar, with isoleucine, which is neutral and non-polar, at codon 1564 of the CEP152 protein (p.Thr1564Ile).